The following is an entry in ClinVar:

ClinVar aggregate classification (germline): Benign/Likely benign. Review status: criteria provided, multiple submitters, no conflicts (2 of 4 stars). 7 submissions from 7 submitters: Benign (4); Likely benign (3). Last evaluated 2026-01-22.

Conditions:
CFH-Related Dense Deposit Disease / Membranoproliferative Glomerulonephritis Type II. Identifiers: MedGen CN071292.
CFHR5 deficiency. Identifiers: MedGen C3553720.

Allele frequency attached by ClinVar (database versions not stated): gnomAD exomes 0.00444; ExAC 0.00487; 1000 Genomes Project 0.01478; TOPMed 0.01480; 1000 Genomes Project 30x 0.01483; ESP Exome Variant Server 0.01730.
gnomAD v4.1: 5,047 of 1,613,894 alleles (0.31%); highest among the groups gnomAD compares: African/African-American, 4.6%; 85 homozygotes.

Submissions (7):

Labcorp Genetics (formerly Invitae), Labcorp
Classification: Likely benign. Last evaluated: 2026-01-22. Review status: criteria provided, single submitter. Criteria: Invitae Variant Classification Sherloc (09022015). Collection method: clinical testing. Allele origin: germline.

Women's Health and Genetics/Laboratory Corporation of America, LabCorp
Classification: Benign. Last evaluated: 2026-01-22. Review status: criteria provided, single submitter. Criteria: LabCorp Variant Classification Summary - May 2015. Collection method: clinical testing. Allele origin: germline.

Blueprint Genetics
Classification: Likely benign. Last evaluated: 2024-11-01. Review status: criteria provided, single submitter. Criteria: ACMG Guidelines, 2015. Collection method: clinical testing. Allele origin: germline.

Genome-Nilou Lab
Classification: Benign for C3 glomerulonephritis. Last evaluated: 2023-04-11. Review status: criteria provided, single submitter. Criteria: ACMG Guidelines, 2015. Collection method: clinical testing. Allele origin: germline. Affected: no.

Mayo Clinic Laboratories, Mayo Clinic
Classification: Benign. Last evaluated: 2022-09-22. Review status: criteria provided, single submitter. Criteria: ACMG Guidelines, 2015. Collection method: clinical testing. Allele origin: germline. Observed: 86 variant alleles.
Comment: BA1

Illumina Laboratory Services, Illumina
Classification: Benign for Membranoproliferative glomerulonephritis with complement factor h deficiency. Last evaluated: 2018-01-12. Review status: criteria provided, single submitter. Criteria: ICSL Variant Classification Criteria 13 December 2019. Collection method: clinical testing. Allele origin: germline.
Comment: This variant was observed in the ICSL laboratory as part of a predisposition screen in an ostensibly healthy population. It had not been previously curated by ICSL or reported in the Human Gene Mutation Database (HGMD: prior to June 1st, 2018), and was therefore a candidate for classification through an automated scoring system. Utilizing variant allele frequency, disease prevalence and penetrance estimates, and inheritance mode, an automated score was calculated to assess if this variant is too frequent to cause the disease. Based on the score and internal cut-off values, a variant classified as benign is not then subjected to further curation. The score for this variant resulted in a classification of benign for this disease.

Breakthrough Genomics
Classification: Likely benign. Review status: criteria provided, single submitter. Criteria: ACMG Guidelines, 2015. Collection method: not provided. Allele origin: germline. Inheritance: Autosomal dominant inheritance. Affected: yes.

NM_030787.4(CFHR5):c.243G>A (p.Pro81=)

Gene: CFHR5 (complement factor H related 5; plus strand). Cytogenetic location: 1q31.3.
Variant type: single nucleotide variant.
Coding change: c.243G>A on transcript NM_030787.4 (MANE Select); coding-DNA position 243, G replaced by A.
Protein change: p.Pro81=; no amino-acid change (proline 81 retained).
Molecular consequence: synonymous variant.
Genome position (GRCh38, 1-based): chr1:196,983,069, G>A. VCF-style: chr1-196983069-G-A. GRCh37 (hg19) VCF-style: chr1-196952199-G-A.
Other names: p.Pro81=.
Identifiers: ClinVar variation 294534 (VCV000294534.17), dbSNP rs7532068, ClinGen allele CA1307661.